The following is an entry in ClinVar:

NM_001273.5(CHD4):c.399GGA[8] (p.Glu139_Asp140insGlu)

Gene: CHD4 (chromodomain helicase DNA binding protein 4; minus strand). Cytogenetic location: 12p13.31.
Variant type: Microsatellite.
Coding change: c.399GGA[8] on transcript NM_001273.5 (MANE Select); eight copies in a row of the 3-base unit GGA starting at c.399; the reference has seven copies in a row; one copy, 3 bases duplicated.
Protein change: p.Glu139_Asp140insGlu.
Molecular consequence: inframe insertion.
Genome position (GRCh38, 1-based): chr12:6,601,979-6,601,981, TCC duplicated on the plus strand (GGA on the coding strand, the reverse complement: CHD4 is on the minus strand); duplicating any 3 consecutive bases within chr12:6,601,979-6,602,000 gives the same sequence; the position shown is the placement nearest the transcript's 3' end. VCF-style (leftmost placement, unchanged base first): chr12-6601978-A-ATCC. GRCh37 (hg19) VCF-style: chr12-6711144-A-ATCC.
Other names: c.378GGA[8], p.Glu132_Asp133insGlu (NM_001297553.2); c.399GGA[8], p.Glu139_Asp140insGlu (NM_001363606.2).
Identifiers: ClinVar variation 2766909 (VCV002766909.3), dbSNP rs71584865, ClinGen allele CA6412522.

ClinVar aggregate classification (germline): Uncertain significance (1 of 4 stars; one submission).

Submission:

Labcorp Genetics (formerly Invitae), Labcorp
Classification: Uncertain significance. Last evaluated: 2026-01-12. Review status: criteria provided, single submitter. Criteria: Invitae Variant Classification Sherloc (09022015). Collection method: clinical testing. Allele origin: germline.
Comment: This variant, c.417_419dup, results in the insertion of 1 amino acid(s) of the CHD4 protein (p.Glu139dup), but otherwise preserves the integrity of the reading frame. This variant is present in population databases (rs762031121, gnomAD 0.05%), including at least one homozygous and/or hemizygous individual. This variant has not been reported in the literature in individuals affected with CHD4-related conditions. In summary, the available evidence is currently insufficient to determine the role of this variant in disease. Therefore, it has been classified as a Variant of Uncertain Significance.